The following is an entry in ClinVar:

ClinVar aggregate classification (germline): Pathogenic (1 of 4 stars; one submission).

Conditions:
Cobalamin C disease. Also called: methylmalonic aciduria and homocystinuria type cblC; Methylmalonic aciduria with homocystinuria cblC type; Cobalamin-C methylmalonic acidemia and homocystinuria; Methylmalonic acidemia and homocystinuria cblC type; Methylmalonic aciduria and homocystinuria, Vitamin B12-responsive; Vitamin B12 metabolic defect with combined deficiency of methylmalonyl-CoA mutase and homocysteine:methyltetrahydrofolate methyltransferase. Identifiers: Orphanet 26, Orphanet 79282, MedGen C1848561, MONDO:0010184, OMIM 277400.

Submission:

Labcorp Genetics (formerly Invitae), Labcorp
Classification: Pathogenic for Cobalamin C disease. Last evaluated: 2022-10-07. Review status: criteria provided, single submitter. Criteria: Invitae Variant Classification Sherloc (09022015). Collection method: clinical testing. Allele origin: germline.
Comment: For these reasons, this variant has been classified as Pathogenic. This variant disrupts a region of the MMACHC protein in which other variant(s) (p.Tyr222*) have been determined to be pathogenic (PMID: 16311595, 19767224, 30157807). This suggests that this is a clinically significant region of the protein, and that variants that disrupt it are likely to be disease-causing. This variant has not been reported in the literature in individuals affected with MMACHC-related conditions. This variant is not present in population databases (gnomAD no frequency). This sequence change creates a premature translational stop signal (p.Tyr222Cysfs*24) in the MMACHC gene. While this is not anticipated to result in nonsense mediated decay, it is expected to disrupt the last 61 amino acid(s) of the MMACHC protein.

Literature cited by the submitters: PubMed 16311595; PubMed 19767224; PubMed 30157807.

NM_015506.3(MMACHC):c.661_664dup (p.Tyr222fs)

Genes: MMACHC (metabolism of cobalamin associated C; plus strand), LOC129930446 (ATAC-STARR-seq lymphoblastoid active region 972; plus strand). Cytogenetic location: 1p34.1.
Variant type: Duplication.
Coding change: c.661_664dup on transcript NM_015506.3 (MANE Select); coding-DNA positions 661 to 664, 4 bases duplicated (GCCT; older notation c.661_664dupGCCT).
Protein change: p.Tyr222fs; shifts the reading frame from tyrosine 222.
Molecular consequence: frameshift variant.
Genome position (GRCh38, 1-based): chr1:45,509,027-45,509,030, GCCT duplicated. VCF-style (leftmost placement, unchanged base first): chr1-45509026-G-GGCCT. GRCh37 (hg19) VCF-style: chr1-45974698-G-GGCCT.
Other names: c.490_493dup, p.Tyr165fs (NM_001330540.2); short protein forms Y165fs, Y222fs.
Identifiers: ClinVar variation 2121779 (VCV002121779.4), dbSNP rs2522828488, ClinGen allele CA2580062911.